The following is an entry in ClinVar:

NM_000211.5(ITGB2):c.1377C>A (p.Cys459Ter)

Gene: ITGB2 (integrin subunit beta 2; minus strand). Cytogenetic location: 21q22.3.
Variant type: single nucleotide variant.
Coding change: c.1377C>A on transcript NM_000211.5 (MANE Select); coding-DNA position 1377, C replaced by A.
Protein change: p.Cys459Ter; replaces cysteine 459 with a stop codon.
Molecular consequence: nonsense.
Genome position (GRCh38, 1-based): chr21:44,891,844, G>T on the plus strand (C>A on the coding strand, the complement: ITGB2 is on the minus strand). VCF-style: chr21-44891844-G-T. GRCh37 (hg19) VCF-style: chr21-46311759-G-T.
Other names: c.1377C>A, p.Cys459Ter (NM_001127491.3); c.1170C>A, p.Cys390Ter (NM_001303238.2); short protein forms C390*, C459*.
Identifiers: ClinVar variation 4056505 (VCV004056505.2).

ClinVar aggregate classification (germline): Pathogenic. Review status: criteria provided, multiple submitters, no conflicts (2 of 4 stars). 2 submissions from 2 submitters: Pathogenic (2). Last evaluated 2025-10-29.

Conditions:
Leukocyte adhesion deficiency 1 (LAD1). Also called: LEUKOCYTE ADHESION DEFICIENCY, TYPE I; LAD 1; Lymphocyte function-associated antigen 1 immunodeficiency; LFA 1 immunodeficiency. Identifiers: Orphanet 2968, Orphanet 99842, MedGen C0398738, MONDO:0007293, OMIM 116920.

Submissions (2):

Dasa
Classification: Pathogenic. Last evaluated: 2025-10-29. Review status: criteria provided, single submitter. Criteria: DASA Assertion Criteria. Collection method: clinical testing. Allele origin: germline.
Comment: NM_000211.5(ITGB2):c.1377C>A (p.Cys459*) introduces a premature termination codon predicted to result in loss of normal protein function. Loss-of-function is an established mechanism of disease for this gene. This variant has been reported in individuals with related phenotype. Based on the available data, this variant is classified as pathogenic.

Laboratorio de Genetica e Diagnostico Molecular, Hospital Israelita Albert Einstein
Classification: Pathogenic for Leukocyte adhesion deficiency 1. Last evaluated: 2023-06-01. Review status: criteria provided, single submitter. Criteria: ACMG Guidelines, 2015. Collection method: clinical testing. Allele origin: germline. Affected: yes.
Comment: ACMG classification criteria: PVS1 very strong, PM2 moderate, PM3 supporting